The following is an entry in ClinVar:

NM_173660.5(DOK7):c.962C>A (p.Pro321Gln)

Gene: DOK7 (docking protein 7; plus strand). Cytogenetic location: 4p16.3.
Variant type: single nucleotide variant.
Coding change: c.962C>A on transcript NM_173660.5 (MANE Select); coding-DNA position 962, C replaced by A.
Protein change: p.Pro321Gln; replaces proline 321 with glutamine.
Molecular consequence: missense variant. On other transcripts: 3 prime UTR variant (1).
Genome position (GRCh38, 1-based): chr4:3,492,948, C>A. VCF-style: chr4-3492948-C-A. GRCh37 (hg19) VCF-style: chr4-3494675-C-A.
Other names: p.Pro321Gln; c.*183C>A (NM_001164673.2); c.32C>A, p.Pro11Gln (NM_001256896.2); c.962C>A, p.Pro321Gln (NM_001301071.2); c.530C>A, p.Pro177Gln (NM_001363811.2); short protein forms P11Q, P321Q, P177Q.
Identifiers: ClinVar variation 4540971 (VCV004540971.1).

ClinVar aggregate classification (germline): Uncertain significance (1 of 4 stars; one submission).

gnomAD v4.1: 13 of 1,553,636 alleles (0.00084%); highest among the groups gnomAD compares: African/African-American, 0.0014%; no homozygotes.

Submission:

Mayo Clinic Laboratories, Mayo Clinic
Classification: Uncertain significance. Last evaluated: 2025-01-22. Review status: criteria provided, single submitter. Criteria: ACMG Guidelines, 2015. Collection method: clinical testing. Allele origin: germline. Observed: 1 variant allele.
Comment: BP4, PM2_supporting